The following is an entry in ClinVar:

NM_004713.6(NEMF):c.2338A>T (p.Thr780Ser)

Gene: NEMF (nuclear export mediator factor; minus strand). Cytogenetic location: 14q21.3.
Variant type: single nucleotide variant.
Coding change: c.2338A>T on transcript NM_004713.6 (MANE Select); coding-DNA position 2338, A replaced by T.
Protein change: p.Thr780Ser; replaces threonine 780 with serine.
Molecular consequence: missense variant.
Genome position (GRCh38, 1-based): chr14:49,800,454, T>A on the plus strand (A>T on the coding strand, the complement: NEMF is on the minus strand). VCF-style: chr14-49800454-T-A. GRCh37 (hg19) VCF-style: chr14-50267172-T-A.
Other names: c.2275A>T, p.Thr759Ser (NM_001301732.3); short protein forms T759S, T780S.
Identifiers: ClinVar variation 4975573 (VCV004975573.1).

ClinVar aggregate classification (germline): Uncertain significance (1 of 4 stars; one submission).

Submission:

GeneDx
Classification: Uncertain significance. Last evaluated: 2026-02-04. Review status: criteria provided, single submitter. Criteria: GeneDx Variant Classification Process June 2021. Collection method: clinical testing. Allele origin: germline.
Comment: Not observed at significant frequency in large population cohorts (gnomAD); In silico analysis supports that this missense variant has a deleterious effect on protein structure/function; Has not been previously published as pathogenic or benign to our knowledge